The following is an entry in ClinVar:

NM_005120.3(MED12):c.1448G>T (p.Arg483Leu)

Genes: MED12 (mediator complex subunit 12; plus strand), LOC126863275 (BRD4-independent group 4 enhancer GRCh37_chrX:70342400-70343599; plus strand). Cytogenetic location: Xq13.1.
Variant type: single nucleotide variant.
Coding change: c.1448G>T on transcript NM_005120.3 (MANE Select); coding-DNA position 1448, G replaced by T.
Protein change: p.Arg483Leu; replaces arginine 483 with leucine.
Molecular consequence: missense variant.
Genome position (GRCh38, 1-based): chrX:71,122,837, G>T. VCF-style: chrX-71122837-G-T. GRCh37 (hg19) VCF-style: chrX-70342687-G-T.
Other names: short protein forms R483L.
Identifiers: ClinVar variation 4083130 (VCV004083130.1).
Genomic context (GRCh38, chrX:71,122,837, plus strand): 5'-TGGACAGCCATAGTTTTGAACGCTCTGACTTCAGCAACTCTCTTGACTCCCTTTGTAACC[G>T]AATCTTTGGATTGGGACCTAGCAAGGATGGGCATGAGGTAAGCGAAAAGGGGAATAGAAG-3'
Protein context (NP_005111.2, residues 473-493): FSNSLDSLCN[Arg483Leu]IFGLGPSKDG

ClinVar aggregate classification (germline): Uncertain significance (1 of 4 stars; one submission).

Submission:

GeneDx
Classification: Uncertain significance. Last evaluated: 2025-03-14. Review status: criteria provided, single submitter. Criteria: GeneDx Variant Classification Process June 2021. Collection method: clinical testing. Allele origin: germline. Affected: yes.
Comment: Not observed at significant frequency in large population cohorts (gnomAD); In silico analysis supports that this missense variant has a deleterious effect on protein structure/function; Has not been previously published as pathogenic or benign to our knowledge